The following is an entry in ClinVar:

ClinVar aggregate classification (germline): Uncertain significance (1 of 4 stars; one submission).

Conditions:
Inborn genetic diseases. Identifiers: MedGen C0950123, MeSH D030342.

gnomAD v4.1: 1 of 1,614,118 alleles (0.000062%); highest among the groups gnomAD compares: Non-Finnish European, 0.000085%; no homozygotes.

Submission:

Ambry Genetics
Classification: Uncertain significance for Inborn genetic diseases. Last evaluated: 2026-03-01. Review status: criteria provided, single submitter. Criteria: Ambry Variant Classification Scheme 2023. Collection method: clinical testing. Allele origin: germline.
Comment: The p.R293T variant (also known as c.878G>C), located in coding exon 9 of the ASXL1 gene, results from a G to C substitution at nucleotide position 878. The arginine at codon 293 is replaced by threonine, an amino acid with similar properties. This amino acid position is conserved. In addition, this alteration is predicted to be deleterious by in silico analysis. Based on the available evidence, the clinical significance of this variant remains unclear.

NM_015338.6(ASXL1):c.878G>C (p.Arg293Thr)

Gene: ASXL1 (ASXL transcriptional regulator 1; plus strand). Cytogenetic location: 20q11.21.
Variant type: single nucleotide variant.
Coding change: c.878G>C on transcript NM_015338.6 (MANE Select); coding-DNA position 878, G replaced by C.
Protein change: p.Arg293Thr; replaces arginine 293 with threonine.
Molecular consequence: missense variant.
Genome position (GRCh38, 1-based): chr20:32,431,480, G>C. VCF-style: chr20-32431480-G-C. GRCh37 (hg19) VCF-style: chr20-31019283-G-C.
Other names: c.695G>C, p.Arg232Thr (NM_001363734.1); short protein forms R232T, R293T.
Identifiers: ClinVar variation 4827395 (VCV004827395.1).